The following is an entry in ClinVar:

NM_002055.5(GFAP):c.798C>A (p.Asp266Glu)

Gene: GFAP (glial fibrillary acidic protein; minus strand). Cytogenetic location: 17q21.31.
Variant type: single nucleotide variant.
Coding change: c.798C>A on transcript NM_002055.5 (MANE Select); coding-DNA position 798, C replaced by A.
Protein change: p.Asp266Glu; replaces aspartic acid 266 with glutamic acid.
Molecular consequence: missense variant.
Genome position (GRCh38, 1-based): chr17:44,911,780, G>T on the plus strand (C>A on the coding strand, the complement: GFAP is on the minus strand). VCF-style: chr17-44911780-G-T. GRCh37 (hg19) VCF-style: chr17-42989148-G-T.
Other names: c.798C>A, p.Asp266Glu (NM_001131019.3, NM_001242376.3, NM_001363846.2); c.798C>A (NM_002055.4); short protein forms D266E.
Identifiers: ClinVar variation 1516732 (VCV001516732.9), dbSNP rs748366808, ClinGen allele CA8608848.

ClinVar aggregate classification (germline): Uncertain significance. Review status: criteria provided, multiple submitters, no conflicts (2 of 4 stars). 2 submissions from 2 submitters: Uncertain significance (2). Last evaluated 2025-09-10.

Conditions:
Inborn genetic diseases. Identifiers: MedGen C0950123, MeSH D030342.

Allele frequency attached by ClinVar (database versions not stated): gnomAD 0.00001; ExAC 0.00002; gnomAD exomes 0.00002 and 0.00003; TOPMed 0.00002.
gnomAD v4.1: 12 of 1,613,442 alleles (0.00074%); highest among the groups gnomAD compares: Admixed American, 0.015%; no homozygotes.

Submissions (2):

Ambry Genetics
Classification: Uncertain significance for Inborn genetic diseases. Last evaluated: 2025-09-10. Review status: criteria provided, single submitter. Criteria: Ambry Variant Classification Scheme 2023. Collection method: clinical testing. Allele origin: germline.

Labcorp Genetics (formerly Invitae), Labcorp
Classification: Uncertain significance. Last evaluated: 2025-04-28. Review status: criteria provided, single submitter. Criteria: Invitae Variant Classification Sherloc (09022015). Collection method: clinical testing. Allele origin: germline.
Comment: This sequence change replaces aspartic acid, which is acidic and polar, with glutamic acid, which is acidic and polar, at codon 266 of the GFAP protein (p.Asp266Glu). This variant is present in population databases (rs748366808, gnomAD 0.02%). This missense change has been observed in individual(s) with GFAP-related conditions (internal data). ClinVar contains an entry for this variant (Variation ID: 1516732). Invitae Evidence Modeling of protein sequence and biophysical properties (such as structural, functional, and spatial information, amino acid conservation, physicochemical variation, residue mobility, and thermodynamic stability) indicates that this missense variant is not expected to disrupt GFAP protein function with a negative predictive value of 95%. In summary, the available evidence is currently insufficient to determine the role of this variant in disease. Therefore, it has been classified as a Variant of Uncertain Significance.